The following is an entry in ClinVar:

NM_005993.5(TBCD):c.1318+17097C>T

Genes: TBCD (tubulin folding cofactor D), ZNF750 (zinc finger protein 750; minus strand). Cytogenetic location: 17q25.3.
Variant type: single nucleotide variant.
Coding change: c.1318+17097C>T on transcript NM_005993.5 (MANE Select); 17097 bases into the intron after coding-DNA position 1318, C replaced by T.
Molecular consequence: intron variant. On other transcripts: missense variant (1).
Genome position (GRCh38, 1-based): chr17:82,832,031, C>T. VCF-style: chr17-82832031-C-T. GRCh37 (hg19) VCF-style: chr17-80789907-C-T.
Other names: c.424G>A, p.Ala142Thr (NM_024702.3); c.1318+17097C>T (NM_001411102.1); c.1267+17097C>T (NM_001411101.1); short protein forms A142T.
Identifiers: ClinVar variation 2648502 (VCV002648502.24), dbSNP rs146491968, ClinGen allele CA8862429.

ClinVar aggregate classification (germline): Likely benign (1 of 4 stars; one submission).

Allele frequency attached by ClinVar (database versions not stated): 1000 Genomes Project 30x 0.00016; 1000 Genomes Project 0.00020; TOPMed 0.00037; ESP Exome Variant Server 0.00046; gnomAD exomes 0.00061; gnomAD 0.00094; ExAC 0.00119.
gnomAD v4.1: 1,059 of 1,612,770 alleles (0.066%); highest among the groups gnomAD compares: Non-Finnish European, 0.057%; 1 homozygote.

Submission:

CeGaT Center for Human Genetics Tuebingen
Classification: Likely benign. Last evaluated: 2026-03-01. Review status: criteria provided, single submitter. Criteria: CeGaT Center For Human Genetics Tuebingen Variant Classification Criteria Version 2. Collection method: clinical testing. Allele origin: germline. Affected: yes. Observed: 4 variant alleles.
Comment: TBCD: BP4; ZNF750: BP4